The following is an entry in ClinVar:

NM_000368.5(TSC1):c.2743_2747del (p.His915fs)

Gene: TSC1 (TSC complex subunit 1; minus strand). Cytogenetic location: 9q34.13.
Variant type: Deletion.
Coding change: c.2743_2747del on transcript NM_000368.5 (MANE Select); coding-DNA positions 2743 to 2747, 5 bases deleted (CACCT; older notation c.2743_2747delCACCT).
Protein change: p.His915fs; shifts the reading frame from histidine 915.
Molecular consequence: frameshift variant.
Genome position (GRCh38, 1-based): chr9:132,897,489-132,897,493, AGGTG deleted on the plus strand (CACCT on the coding strand, the reverse complement: TSC1 is on the minus strand); deleting any 5 consecutive bases within chr9:132,897,489-132,897,495 gives the same sequence; the c. name uses the placement nearest the transcript's 3' end. VCF-style (leftmost placement, unchanged base first): chr9-132897488-CAGGTG-C. GRCh37 (hg19) VCF-style: chr9-135772875-CAGGTG-C.
Other names: c.2740_2744del, p.His914fs (NM_001162426.2); c.2590_2594del, p.His864fs (NM_001162427.2); c.2380_2384del, p.His794fs (NM_001362177.2); short protein forms H864fs, H915fs, H794fs, H914fs.
Identifiers: ClinVar variation 1452797 (VCV001452797.6), dbSNP rs2131633443, ClinGen allele CA2573144368.
Genomic context (GRCh38, chr9:132,897,488, plus strand): 5'-CTGGAGTTTGACATCCTCTAGATATTTCTTCTGTTCCAAAAGAAGGTGGTCTTTCTTGGC[CAGGTG>C]AGATTCCAGTTCCAAAATCCGTTTTTGGGAGGTATCAAGCCTCTGAGTCTGCTGGAGAAC-3'

ClinVar aggregate classification (germline): Pathogenic (1 of 4 stars; one submission).

Conditions:
Tuberous sclerosis 1 (TSC1). Identifiers: Orphanet 805, MedGen C1854465, MONDO:0008612, OMIM 191100.

Submission:

Labcorp Genetics (formerly Invitae), Labcorp
Classification: Pathogenic for Tuberous sclerosis 1. Last evaluated: 2021-07-21. Review status: criteria provided, single submitter. Criteria: Invitae Variant Classification Sherloc (09022015). Collection method: clinical testing. Allele origin: germline.
Comment: This variant is not present in population databases (ExAC no frequency). This variant has not been reported in the literature in individuals affected with TSC1-related conditions. For these reasons, this variant has been classified as Pathogenic. This sequence change creates a premature translational stop signal (p.His915Glyfs*33) in the TSC1 gene. It is expected to result in an absent or disrupted protein product. Loss-of-function variants in TSC1 are known to be pathogenic (PMID: 10227394, 17304050).

Literature cited by the submitters: PubMed 10227394; PubMed 17304050.